The following is an entry in ClinVar:

ClinVar aggregate classification (germline): Uncertain significance (1 of 4 stars; one submission).

Allele frequency attached by ClinVar (database versions not stated): TOPMed below 0.00001; gnomAD 0.00001.
gnomAD v4.1: 2 of 1,610,936 alleles (0.00012%); highest among the groups gnomAD compares: African/African-American, 0.0027%; no homozygotes.

Submission:

Ambry Genetics
Classification: Uncertain significance. Last evaluated: 2022-03-31. Review status: criteria provided, single submitter. Criteria: Ambry Variant Classification Scheme 2023. Collection method: clinical testing. Allele origin: germline.
Comment: The p.V1007F variant (also known as c.3019G>T), located in coding exon 26 of the PRKDC gene, results from a G to T substitution at nucleotide position 3019. The valine at codon 1007 is replaced by phenylalanine, an amino acid with highly similar properties. This amino acid position is conserved. In addition, the in silico prediction for this alteration is inconclusive. Since supporting evidence is limited at this time, the clinical significance of this alteration remains unclear.

NM_006904.7(PRKDC):c.3019G>T (p.Val1007Phe)

Gene: PRKDC (protein kinase, DNA-activated, catalytic subunit; minus strand). Cytogenetic location: 8q11.21.
Variant type: single nucleotide variant.
Coding change: c.3019G>T on transcript NM_006904.7 (MANE Select); coding-DNA position 3019, G replaced by T.
Protein change: p.Val1007Phe; replaces valine 1007 with phenylalanine.
Molecular consequence: missense variant.
Genome position (GRCh38, 1-based): chr8:47,904,892, C>A on the plus strand (G>T on the coding strand, the complement: PRKDC is on the minus strand). VCF-style: chr8-47904892-C-A. GRCh37 (hg19) VCF-style: chr8-48817452-C-A.
Other names: c.3019G>T, p.Val1007Phe (NM_001081640.2); short protein forms V1007F.
Identifiers: ClinVar variation 1798886 (VCV001798886.2), dbSNP rs1360663094, ClinGen allele CA371157268.